The following is an entry in ClinVar:

ClinVar aggregate classification (germline): Benign. Review status: criteria provided, multiple submitters, no conflicts (2 of 4 stars). 4 submissions from 4 submitters: Benign (4). Last evaluated 2026-02-01.

Conditions:
Fleck corneal dystrophy (CFD). Also called: CORNEAL DYSTROPHY, FRANCOIS-NEETENS SPECKLED OR FLECKED. Identifiers: Orphanet 98970, MedGen C1562113, MONDO:0007376, OMIM 121850.

Allele frequency attached by ClinVar (database versions not stated): 1000 Genomes Project 30x 0.90990; 1000 Genomes Project 0.91154; TOPMed 0.92204; ESP Exome Variant Server 0.92213; gnomAD 0.92756 and 0.92950; ExAC 0.95976; gnomAD exomes 0.96446 and 0.97660.
gnomAD v4.1: 1,566,186 of 1,611,436 alleles (97%); highest among the groups gnomAD compares: Non-Finnish European, 98%; 762,579 homozygotes.

Submissions (4):

Labcorp Genetics (formerly Invitae), Labcorp
Classification: Benign. Last evaluated: 2026-02-01. Review status: criteria provided, single submitter. Criteria: Invitae Variant Classification Sherloc (09022015). Collection method: clinical testing. Allele origin: germline.

Genome-Nilou Lab
Classification: Benign for Fleck corneal dystrophy. Last evaluated: 2021-09-05. Review status: criteria provided, single submitter. Criteria: ACMG Guidelines, 2015. Collection method: clinical testing. Allele origin: germline. Affected: no.

Illumina Laboratory Services, Illumina
Classification: Benign for Fleck corneal dystrophy. Last evaluated: 2018-01-13. Review status: criteria provided, single submitter. Criteria: ICSL Variant Classification Criteria 13 December 2019. Collection method: clinical testing. Allele origin: germline.
Comment: This variant was observed in the ICSL laboratory as part of a predisposition screen in an ostensibly healthy population. It had not been previously curated by ICSL or reported in the Human Gene Mutation Database (HGMD: prior to June 1st, 2018), and was therefore a candidate for classification through an automated scoring system. Utilizing variant allele frequency, disease prevalence and penetrance estimates, and inheritance mode, an automated score was calculated to assess if this variant is too frequent to cause the disease. Based on the score and internal cut-off values, a variant classified as benign is not then subjected to further curation. The score for this variant resulted in a classification of benign for this disease.

Breakthrough Genomics
Classification: Benign. Review status: criteria provided, single submitter. Criteria: ACMG Guidelines, 2015. Collection method: not provided. Allele origin: germline. Inheritance: Autosomal dominant inheritance. Affected: yes.

NM_015040.4(PIKFYVE):c.2106C>T (p.Pro702=)

Gene: PIKFYVE (phosphoinositide kinase, FYVE-type zinc finger containing; plus strand). Cytogenetic location: 2q34.
Variant type: single nucleotide variant.
Coding change: c.2106C>T on transcript NM_015040.4 (MANE Select); coding-DNA position 2106, C replaced by T.
Protein change: p.Pro702=; no amino-acid change (proline 702 retained).
Molecular consequence: synonymous variant.
Genome position (GRCh38, 1-based): chr2:208,320,275, C>T. VCF-style: chr2-208320275-C-T. GRCh37 (hg19) VCF-style: chr2-209184999-C-T.
Identifiers: ClinVar variation 333898 (VCV000333898.15), dbSNP rs10932259, ClinGen allele CA2079750.